The following is an entry in ClinVar:

NM_002335.4(LRP5):c.2565C>A (p.Ser855Arg)

Gene: LRP5 (LDL receptor related protein 5; plus strand). Cytogenetic location: 11q13.2.
Variant type: single nucleotide variant.
Coding change: c.2565C>A on transcript NM_002335.4 (MANE Select); coding-DNA position 2565, C replaced by A.
Protein change: p.Ser855Arg; replaces serine 855 with arginine.
Molecular consequence: missense variant.
Genome position (GRCh38, 1-based): chr11:68,413,750, C>A. VCF-style: chr11-68413750-C-A. GRCh37 (hg19) VCF-style: chr11-68181218-C-A.
Other names: c.822C>A, p.Ser274Arg (NM_001291902.2); short protein forms S855R, S274R.
Identifiers: ClinVar variation 1464466 (VCV001464466.6), dbSNP rs2098660880, ClinGen allele CA381618309.

ClinVar aggregate classification (germline): Uncertain significance (1 of 4 stars; one submission).

Submission:

Labcorp Genetics (formerly Invitae), Labcorp
Classification: Uncertain significance. Last evaluated: 2022-07-26. Review status: criteria provided, single submitter. Criteria: Invitae Variant Classification Sherloc (09022015). Collection method: clinical testing. Allele origin: germline.
Comment: Advanced modeling of protein sequence and biophysical properties (such as structural, functional, and spatial information, amino acid conservation, physicochemical variation, residue mobility, and thermodynamic stability) performed at Invitae indicates that this missense variant is not expected to disrupt LRP5 protein function. In summary, the available evidence is currently insufficient to determine the role of this variant in disease. Therefore, it has been classified as a Variant of Uncertain Significance. ClinVar contains an entry for this variant (Variation ID: 1464466). This variant has not been reported in the literature in individuals affected with LRP5-related conditions. This variant is not present in population databases (gnomAD no frequency). This sequence change replaces serine, which is neutral and polar, with arginine, which is basic and polar, at codon 855 of the LRP5 protein (p.Ser855Arg).